The following is an entry in ClinVar:

NM_001165963.4(SCN1A):c.3714A>C (p.Glu1238Asp)

Genes: SCN1A (sodium voltage-gated channel alpha subunit 1; minus strand), LOC102724058 (uncharacterized LOC102724058; plus strand). Cytogenetic location: 2q24.3.
Variant type: single nucleotide variant.
Coding change: c.3714A>C on transcript NM_001165963.4 (MANE Select); coding-DNA position 3714, A replaced by C.
Protein change: p.Glu1238Asp; replaces glutamic acid 1238 with aspartic acid.
Molecular consequence: missense variant. On other transcripts: non-coding transcript variant (1).
Genome position (GRCh38, 1-based): chr2:166,012,274, T>G on the plus strand (A>C on the coding strand, the complement: SCN1A is on the minus strand). VCF-style: chr2-166012274-T-G. GRCh37 (hg19) VCF-style: chr2-166868784-T-G.
Other names: p.E1238D:GAA>GAC; c.3630A>C, p.Glu1210Asp (NM_001165964.3, NM_001353957.2, NM_001353958.2); c.3714A>C, p.Glu1238Asp (NM_001202435.3, NM_001353948.2); c.3681A>C, p.Glu1227Asp (NM_001353949.2, NM_001353950.2, NM_001353951.2 and 2 more transcripts); c.3678A>C, p.Glu1226Asp (NM_001353954.2, NM_001353955.2); c.3627A>C, p.Glu1209Asp (NM_001353960.2); c.1272A>C, p.Glu424Asp (NM_001353961.2); short protein forms E1227D, E1238D, E1226D, E1209D, E424D, E1210D.
Identifiers: ClinVar variation 68532 (VCV000068532.60), dbSNP rs121917973, ClinGen allele CA234849.
Genomic context (GRCh38, chr2:166,012,274, plus strand): 5'-AACCTTGTCAGCATATTCCAACATCGTCTTAATCGTCTTTCGCTGATCAATATATATATC[T>G]TCAAATGCCTATAAAGAAAATGTTACACATTATTAGCTTTCAAAAATAATTATACTCCAT-3'
Protein context (NP_001159435.1, residues 1228-1248): ILLSSGALAF[Glu1238Asp]DIYIDQRKTI

ClinVar aggregate classification (germline): Conflicting classifications of pathogenicity. Review status: criteria provided, conflicting classifications (1 of 4 stars). 8 submissions from 8 submitters: Uncertain significance (5); Likely benign (2). 1 of the submissions does not count toward it. Last evaluated 2025-12-15.

Conditions:
Inborn genetic diseases. Identifiers: MedGen C0950123, MeSH D030342.
Early-infantile DEE. Also called: Early infantile epileptic encephalopathy with suppression bursts; Ohtahara syndrome; Early infantile epileptic encephalopathy. Identifiers: Orphanet 1934, MedGen C0393706, MONDO:0800491.
Severe myoclonic epilepsy in infancy (DRVT). Also called: DEVELOPMENTAL AND EPILEPTIC ENCEPHALOPATHY 6A; Severe Myoclonic Epilepsy in Infancy (SMEI); Dravet syndrome; SEVERE MYOCLONIC EPILEPSY OF INFANCY; Epileptic encephalopathy, early infantile, 6 (Dravet syndrome). Identifiers: Orphanet 33069, MedGen C0751122, MONDO:0100135, OMIM 607208.
Generalized epilepsy with febrile seizures plus, type 2 (GEFSP2). Also called: GEFS+, TYPE 2. Identifiers: Orphanet 36387, MedGen C1858673, MONDO:0011461, OMIM 604403.

Allele frequency attached by ClinVar (database versions not stated): gnomAD 0.00008 and 0.00009; 1000 Genomes Project 30x 0.00031; ExAC 0.00003; TOPMed 0.00019; 1000 Genomes Project 0.00020; gnomAD exomes 0.00005.
gnomAD v4.1: 33 of 1,606,018 alleles (0.0021%); highest among the groups gnomAD compares: Admixed American, 0.02%; no homozygotes.

Submissions (8):

GeneDx
Classification: Uncertain significance. Last evaluated: 2025-12-15. Review status: criteria provided, single submitter. Criteria: GeneDx Variant Classification Process June 2021. Collection method: clinical testing. Allele origin: germline. Affected: yes.
Comment: Reported multiple times in patients with epilepsy in published literature; however, parental testing was not reported, and one individual was also found to have a second SCN1A variant (PMID: 17347258, 21248271, 23662938; SCN1A Variant Database); Apparently de novo variant in a patient with refractory generalized tonic-clonic seizures, developmental regression and epileptic encephalopathy noted on EEG and also in another patient with complex febrile seizures and status epilepticus; clinical and testing details for parents were limited (PMID: 39215723, 31054490); In silico analysis supports that this missense variant has a deleterious effect on protein structure/function; This substitution is predicted to be within the extracellular loop between the S1 and S2 transmembrane segments of the third homologous domain; Observed in heterozygous state in many unrelated healthy adult individuals tested at GeneDx; This variant is associated with the following publications: (PMID: 16713913, 17166794, 23884151, 19586930, 28150151, 16713920, 23662938, 19585586, 24136861, 18804930, 32180723, 31054490, 21248271, 17347258, 32090326, 39215723, 35074891)

Labcorp Genetics (formerly Invitae), Labcorp
Classification: Likely benign for Early-infantile DEE. Last evaluated: 2025-11-14. Review status: criteria provided, single submitter. Criteria: Invitae Variant Classification Sherloc (09022015). Collection method: clinical testing. Allele origin: germline.

Ambry Genetics
Classification: Likely benign for Inborn genetic diseases. Last evaluated: 2025-04-04. Review status: criteria provided, single submitter. Criteria: Ambry Variant Classification Scheme 2023. Collection method: clinical testing. Allele origin: germline.

New York Genome Center
Classification: Uncertain significance for Generalized epilepsy with febrile seizures plus, type 2; Severe myoclonic epilepsy in infancy. Last evaluated: 2021-09-17. Review status: criteria provided, single submitter. Criteria: NYGC Assertion Criteria 2020. Collection method: clinical testing. Allele origin: inherited. Observed: 2 heterozygotes. Clinical features observed: Seizure (HP:0001250), Abnormal hippocampus morphology (HP:0025100), Autism (HP:0000717), Global developmental delay (HP:0001263), Subvalvular aortic stenosis (HP:0001682). Study: CSER-NYCKidSeq.
Comment: The inherited c.3714A>C (p.Glu1238Asp) variant identified in the SCN1A gene substitutes a very well conserved Glutamic Acid for AsparticAcid at amino acid 1238/1999 (exon 22/29). SCN1A is an alternatively spliced transcript and this variant is also called c.3681A>C (p.Glu1227Asp) when annotated from transcript NM_006920.6. This variant is found with low frequency in gnomAD(v3.1.1) (13 heterozygotes, 0 homozygotes; allele frequency:8.6e-5) suggesting it is not a common benign variant in the populations represented in that database. In silico algorithms predict this variant to be Damaging (SIFT; score:0.00) and Pathogenic (REVEL; score:0.9269) to the function of the canonical transcript. This variant is reported as a Variant of Uncertain Significance in ClinVar (VarID:68532), and has beenidentified in several affected individuals in the literature, [PMID:31054490; PMID:23662938; PMID:17347258]. The p.Glu1238 reside is within the extracellular loop between the S1and S2 domains of the 3rd homologous domain. The inherited c.3714A>C (p.Glu1238Asp) variant identified in the SCN1A gene is reported as a Variant of Uncertian Significance.

CeGaT Center for Human Genetics Tuebingen
Classification: Uncertain significance. Last evaluated: 2020-01-01. Review status: criteria provided, single submitter. Criteria: CeGaT Center For Human Genetics Tuebingen Variant Classification Criteria Version 2. Collection method: clinical testing. Allele origin: germline. Affected: yes. Observed: 1 variant allele.

Mendelics
Classification: Uncertain significance for Severe myoclonic epilepsy in infancy. Last evaluated: 2019-05-28. Review status: criteria provided, single submitter. Criteria: Mendelics Assertion Criteria 2017. Collection method: clinical testing. Allele origin: unknown.

Eurofins Ntd Llc (ga)
Classification: Uncertain significance. Last evaluated: 2014-04-14. Review status: criteria provided, single submitter. Criteria: EGL Classification Definitions 2015. Collection method: clinical testing. Allele origin: germline. Observed: 1 variant allele, 1 heterozygote.

UniProtKB/Swiss-Prot
No classification provided. Condition: Severe myoclonic epilepsy in infancy. Review status: no classification provided. Collection method: not provided. Allele origin: unknown. Not counted in ClinVar's aggregate classification.